The following is an entry in ClinVar:

NM_080676.5(MACROD2):c.418+128756_418+265581del

Genes: MACROD2 (mono-ADP ribosylhydrolase 2; plus strand), MACROD2-AS1 (MACROD2 antisense RNA 1; minus strand), LOC130065435 (ATAC-STARR-seq lymphoblastoid silent region 12681; plus strand), LOC130065436 (ATAC-STARR-seq lymphoblastoid active region 17553; plus strand), LOC130065437 (ATAC-STARR-seq lymphoblastoid active region 17554; plus strand). Cytogenetic location: 20p12.1.
Variant type: Deletion.
Coding change: c.418+128756_418+265581del on transcript NM_080676.5; bases 128756 to 265581 of the intron after coding-DNA position 418, this stretch deleted.
Identifiers: ClinVar variation 157461 (VCV000157461.2).

ClinVar aggregate classification (germline): not provided (0 of 4 stars; one submission).

Conditions:
Normal pregnancy. Identifiers: MedGen C0232989.

Submission:

Institute of Molecular and Cell Biology, University of Tartu
No classification provided. Condition: Normal pregnancy. Review status: no classification provided. Collection method: case-control. Allele origin: unknown. Affected: yes. Study: Kasak2014.
Comment: The study aimed to determine the contribution of copy number variants in the genetic etiology of normal and complicated pregnancies. The samples represented (i) maternal blood DNA drawn from healthy pregnant women during 1st or 2nd trimester and (ii) maternal and paternal blood DNA drawn at term pregnancy cases representing normal and complicated gestations (severe preeclampsia, PE; gestational diabetes, GD; small-for-gestational age newborn, SGA; large-for-gestational age newborn, LGA). We performed CNV calling based on genome-wide genotyping dataset (Illumina HumanOmniExpress-24-v1 BeadChip) by applying three algorithms, QuantiSNP, GADA (Genome Alteration Detection Algorithm) and CNstream in parallel. The acquired CNV calls were merged with HD-CNV (Hotspot Detector for Copy Number Variants) program and only the CNVs predicted by at least two programs, were considered in subsequent analysis.

Literature cited by the submitters: PubMed 25666259.